The following is an entry in ClinVar:

NM_000215.4(JAK3):c.2028del (p.Ala677fs)

Gene: JAK3 (Janus kinase 3; minus strand). Cytogenetic location: 19p13.11.
Variant type: Deletion.
Coding change: c.2028del on transcript NM_000215.4 (MANE Select); coding-DNA position 2028, one base deleted (C; older notation c.2028delC).
Protein change: p.Ala677fs; shifts the reading frame from alanine 677.
Molecular consequence: frameshift variant.
Genome position (GRCh38, 1-based): chr19:17,835,102, G deleted on the plus strand (C on the coding strand, the reverse complement: JAK3 is on the minus strand); the first of 4 consecutive G bases (chr19:17,835,102-17,835,105); deleting any one gives the same sequence. VCF-style (leftmost placement, unchanged base first): chr19-17835101-CG-C. GRCh37 (hg19) VCF-style: chr19-17945910-CG-C.
Other names: short protein forms A677fs.
Identifiers: ClinVar variation 2781950 (VCV002781950.3), dbSNP rs2514554819, ClinGen allele CA2583423479.

ClinVar aggregate classification (germline): Pathogenic (1 of 4 stars; one submission).

Conditions:
T-B+ severe combined immunodeficiency due to JAK3 deficiency. Also called: SCID, T CELL-NEGATIVE, B CELL-POSITIVE, NK CELL-NEGATIVE; SCID, autosomal recessive, T-negative/B-positive type. Identifiers: Orphanet 35078, MedGen C1833275, MONDO:0010938, OMIM 600802.

Submission:

Labcorp Genetics (formerly Invitae), Labcorp
Classification: Pathogenic for T-B+ severe combined immunodeficiency due to JAK3 deficiency. Last evaluated: 2023-01-08. Review status: criteria provided, single submitter. Criteria: Invitae Variant Classification Sherloc (09022015). Collection method: clinical testing. Allele origin: germline.
Comment: For these reasons, this variant has been classified as Pathogenic. This variant has not been reported in the literature in individuals affected with JAK3-related conditions. This variant is not present in population databases (gnomAD no frequency). This sequence change creates a premature translational stop signal (p.Ala677Leufs*3) in the JAK3 gene. It is expected to result in an absent or disrupted protein product. Loss-of-function variants in JAK3 are known to be pathogenic (PMID: 7481768, 11668621).

Literature cited by the submitters: PubMed 7481768; PubMed 11668621.